The following is an entry in ClinVar:

NM_001291415.2(KDM6A):c.277T>A (p.Ser93Thr)

Gene: KDM6A (lysine demethylase 6A; plus strand). Cytogenetic location: Xp11.3.
Variant type: single nucleotide variant.
Coding change: c.277T>A on transcript NM_001291415.2 (MANE Select); coding-DNA position 277, T replaced by A.
Protein change: p.Ser93Thr; replaces serine 93 with threonine.
Molecular consequence: missense variant. On other transcripts: 5 prime UTR variant (1), non-coding transcript variant (1).
Genome position (GRCh38, 1-based): chrX:44,961,335, T>A. VCF-style: chrX-44961335-T-A. GRCh37 (hg19) VCF-style: chrX-44820580-T-A.
Other names: c.277T>A, p.Ser93Thr (NM_001291416.2, NM_001291417.2, NM_001291418.2 and 9 more transcripts); c.-356T>A (NM_001291421.2); short protein forms S93T.
Identifiers: ClinVar variation 2634714 (VCV002634714.1), dbSNP rs747890387, ClinGen allele CA10392157.

ClinVar aggregate classification (germline): Uncertain significance (1 of 4 stars; one submission).

Conditions:
KDM6A-related disorder. Also called: KDM6A-related condition.

Allele frequency attached by ClinVar (database versions not stated): ExAC 0.00001.
gnomAD v4.1: 2 of 1,204,825 alleles (0.00017%); highest among the groups gnomAD compares: Non-Finnish European, 0.00022%; no homozygotes.

Submission:

PreventionGenetics, part of Exact Sciences
Classification: Uncertain significance for KDM6A-related condition. Last evaluated: 2023-05-04. Review status: criteria provided, single submitter. Criteria: ACMG Guidelines, 2015. Collection method: clinical testing. Allele origin: germline.
Comment: The KDM6A c.277T>A variant is predicted to result in the amino acid substitution p.Ser93Thr. To our knowledge, this variant has not been reported in the literature. This variant is reported in 0.0012% of alleles in individuals of European (Non-Finnish) descent in gnomAD. At this time, the clinical significance of this variant is uncertain due to the absence of conclusive functional and genetic evidence.